The following is an entry in ClinVar:

NM_032588.4(TRIM63):c.184C>T (p.Arg62Trp)

Gene: TRIM63 (tripartite motif containing 63; minus strand). Cytogenetic location: 1p36.11.
Variant type: single nucleotide variant.
Coding change: c.184C>T on transcript NM_032588.4 (MANE Select); coding-DNA position 184, C replaced by T.
Protein change: p.Arg62Trp; replaces arginine 62 with tryptophan.
Molecular consequence: missense variant.
Genome position (GRCh38, 1-based): chr1:26,066,416, G>A on the plus strand (C>T on the coding strand, the complement: TRIM63 is on the minus strand). VCF-style: chr1-26066416-G-A. GRCh37 (hg19) VCF-style: chr1-26392907-G-A.
Other names: p.Arg62Trp; short protein forms R62W.
Identifiers: ClinVar variation 2405233 (VCV002405233.4), dbSNP rs148561702, ClinGen allele CA699753.

ClinVar aggregate classification (germline): Uncertain significance. Review status: criteria provided, multiple submitters, no conflicts (2 of 4 stars). 3 submissions from 3 submitters: Uncertain significance (3). Last evaluated 2026-03-27.

Conditions:
Cardiovascular phenotype. Identifiers: MedGen CN230736.
Inborn genetic diseases. Identifiers: MedGen C0950123, MeSH D030342.

Allele frequency attached by ClinVar (database versions not stated): ExAC 0.00003; gnomAD 0.00003; TOPMed 0.00003; gnomAD exomes 0.00007; ESP Exome Variant Server 0.00015.
gnomAD v4.1: 110 of 1,602,676 alleles (0.0069%); highest among the groups gnomAD compares: Middle Eastern, 0.017%; no homozygotes.

Submissions (3):

Molecular Diagnostic Laboratory for Inherited Cardiovascular Disease, Montreal Heart Institute
Classification: Uncertain significance for Cardiovascular phenotype. Last evaluated: 2026-03-27. Review status: criteria provided, single submitter. Criteria: ACMG Guidelines, 2015. Collection method: clinical testing. Allele origin: germline. Affected: yes.
Comment: PM2

Mayo Clinic Laboratories, Mayo Clinic
Classification: Uncertain significance. Last evaluated: 2025-08-22. Review status: criteria provided, single submitter. Criteria: ACMG Guidelines, 2015. Collection method: clinical testing. Allele origin: germline. Observed: 1 variant allele.
Comment: BP4

Ambry Genetics
Classification: Uncertain significance for Inborn genetic diseases. Last evaluated: 2022-05-27. Review status: criteria provided, single submitter. Criteria: Ambry Variant Classification Scheme 2023. Collection method: clinical testing. Allele origin: germline.